The following is an entry in ClinVar:

ClinVar aggregate classification (germline): Likely pathogenic (1 of 4 stars; one submission).

Conditions:
DOCK2 deficiency. Also called: Immunodeficiency 40. Identifiers: Orphanet 447737, MedGen C4225328, MONDO:0014637, OMIM 616433.

gnomAD v4.1: 7 of 1,613,894 alleles (0.00043%); highest among the groups gnomAD compares: Non-Finnish European, 0.00051%; no homozygotes.

Submissions (2):

Labcorp Genetics (formerly Invitae), Labcorp
Classification: Likely pathogenic for DOCK2 deficiency. Last evaluated: 2025-04-10. Review status: criteria provided, single submitter. Criteria: Invitae Variant Classification Sherloc (09022015). Collection method: clinical testing. Allele origin: germline.
Comment: This sequence change affects a donor splice site in intron 11 of the DOCK2 gene. It is expected to disrupt RNA splicing. Variants that disrupt the donor or acceptor splice site typically lead to a loss of protein function (PMID: 16199547), and loss-of-function variants in DOCK2 are known to be pathogenic (PMID: 26083206). This variant is present in population databases (no rsID available, gnomAD 0.004%). This variant has not been reported in the literature in individuals affected with DOCK2-related conditions. ClinVar contains an entry for this variant (Variation ID: 2098039). Algorithms developed to predict the effect of sequence changes on RNA splicing suggest that this variant may disrupt the consensus splice site. In summary, the currently available evidence indicates that the variant is pathogenic, but additional data are needed to prove that conclusively. Therefore, this variant has been classified as Likely Pathogenic.

Dr. Peter K. Rogan Lab, Western University
No classification provided (evidence only). Condition: Acute myeloid leukemia. Review status: no classification provided. Collection method: in vitro. Allele origin: not applicable. Functional consequence: skipped exon, retained intron. Not counted in ClinVar's aggregate classification.

Literature cited by the submitters: PubMed 16199547 (cited by Labcorp Genetics (formerly Invitae), Labcorp); PubMed 26083206 (cited by Labcorp Genetics (formerly Invitae), Labcorp).

NM_004946.3(DOCK2):c.1055+1G>A

Gene: DOCK2 (dedicator of cytokinesis 2; plus strand). Cytogenetic location: 5q35.1.
Variant type: single nucleotide variant.
Coding change: c.1055+1G>A on transcript NM_004946.3 (MANE Select); the canonical splice donor site of the intron after coding-DNA position 1055, G replaced by A.
Molecular consequence: splice donor variant.
Genome position (GRCh38, 1-based): chr5:169,698,450, G>A. VCF-style: chr5-169698450-G-A. GRCh37 (hg19) VCF-style: chr5-169125454-G-A.
Identifiers: ClinVar variation 2098039 (VCV002098039.5), dbSNP rs1429834722, ClinGen allele CA362105296.